The following is an entry in ClinVar:

ClinVar aggregate classification (germline): Uncertain significance (1 of 4 stars; one submission).

gnomAD v4.1: 2 of 1,614,006 alleles (0.00012%); highest among the groups gnomAD compares: Non-Finnish European, 0.00017%; no homozygotes.

Submission:

Labcorp Genetics (formerly Invitae), Labcorp
Classification: Uncertain significance. Last evaluated: 2023-05-31. Review status: criteria provided, single submitter. Criteria: Invitae Variant Classification Sherloc (09022015). Collection method: clinical testing. Allele origin: germline.
Comment: This variant is present in population databases (no rsID available, gnomAD 0.0009%). This variant has not been reported in the literature in individuals affected with MYLK3-related conditions. ClinVar contains an entry for this variant (Variation ID: 1963258). An algorithm developed to predict the effect of missense changes on protein structure and function (PolyPhen-2) suggests that this variant is likely to be tolerated. In summary, the available evidence is currently insufficient to determine the role of this variant in disease. Therefore, it has been classified as a Variant of Uncertain Significance. This sequence change replaces methionine, which is neutral and non-polar, with valine, which is neutral and non-polar, at codon 57 of the MYLK3 protein (p.Met57Val).

NM_182493.3(MYLK3):c.169A>G (p.Met57Val)

Gene: MYLK3 (myosin light chain kinase 3; minus strand). Cytogenetic location: 16q11.2.
Variant type: single nucleotide variant.
Coding change: c.169A>G on transcript NM_182493.3 (MANE Select); coding-DNA position 169, A replaced by G.
Protein change: p.Met57Val; replaces methionine 57 with valine.
Molecular consequence: missense variant. On other transcripts: intron variant (1).
Genome position (GRCh38, 1-based): chr16:46,748,025, T>C on the plus strand (A>G on the coding strand, the complement: MYLK3 is on the minus strand). VCF-style: chr16-46748025-T-C. GRCh37 (hg19) VCF-style: chr16-46781937-T-C.
Other names: c.-113-7878A>G (NM_001308301.1); short protein forms M57V.
Identifiers: ClinVar variation 1963258 (VCV001963258.5), dbSNP rs1183355869, ClinGen allele CA395798725.